The following is an entry in ClinVar:

NM_002528.7(NTHL1):c.138C>T (p.Pro46=)

Gene: NTHL1 (nth like DNA glycosylase 1; minus strand). Cytogenetic location: 16p13.3.
Variant type: single nucleotide variant.
Coding change: c.138C>T on transcript NM_002528.7 (MANE Select); coding-DNA position 138, C replaced by T.
Protein change: p.Pro46=; no amino-acid change (proline 46 retained).
Molecular consequence: synonymous variant. On other transcripts: 5 prime UTR variant (1).
Genome position (GRCh38, 1-based): chr16:2,046,344, G>A on the plus strand (C>T on the coding strand, the complement: NTHL1 is on the minus strand). VCF-style: chr16-2046344-G-A. GRCh37 (hg19) VCF-style: chr16-2096345-G-A.
Other names: c.138C>T, p.Pro46= (NM_001318193.2); c.-41C>T (NM_001318194.2).
Identifiers: ClinVar variation 758591 (VCV000758591.29), dbSNP rs752395301, ClinGen allele CA7828359.

ClinVar aggregate classification (germline): Likely benign. Review status: criteria provided, multiple submitters, no conflicts (2 of 4 stars). 5 submissions from 5 submitters: Likely benign (5). Last evaluated 2025-12-22.

Conditions:
NTHL1-related disorder. Also called: NTHL1-related conditions; NTHL1-related condition.
Hereditary cancer-predisposing syndrome. Also called: Hereditary Cancer Syndrome; Tumor predisposition; Hereditary neoplastic syndrome; Neoplastic Syndromes, Hereditary. Identifiers: Orphanet 140162, MedGen C0027672, MeSH D009386, MONDO:0015356.

Allele frequency attached by ClinVar (database versions not stated): gnomAD 0.00003 and 0.00004; gnomAD exomes 0.00003 and 0.00010; TOPMed 0.00003; ExAC 0.00008.
gnomAD v4.1: 52 of 1,607,062 alleles (0.0032%); highest among the groups gnomAD compares: South Asian, 0.029%; no homozygotes.

Submissions (5):

Labcorp Genetics (formerly Invitae), Labcorp
Classification: Likely benign. Last evaluated: 2025-12-22. Review status: criteria provided, single submitter. Criteria: Invitae Variant Classification Sherloc (09022015). Collection method: clinical testing. Allele origin: germline.

CeGaT Center for Human Genetics Tuebingen
Classification: Likely benign. Last evaluated: 2025-05-01. Review status: criteria provided, single submitter. Criteria: CeGaT Center For Human Genetics Tuebingen Variant Classification Criteria Version 2. Collection method: clinical testing. Allele origin: germline. Affected: yes. Observed: 2 variant alleles.
Comment: NTHL1: BP4, BP7

PreventionGenetics, part of Exact Sciences
Classification: Likely benign for NTHL1-related condition. Last evaluated: 2025-03-27. Review status: criteria provided, single submitter. Criteria: ACMG Guidelines, 2015. Collection method: clinical testing. Allele origin: germline.
Comment: This variant is classified as likely benign based on ACMG/AMP sequence variant interpretation guidelines (Richards et al. 2015 PMID: 25741868, with internal and published modifications).

Center for Genomic Medicine, Rigshospitalet, Copenhagen University Hospital
Classification: Likely benign. Last evaluated: 2025-03-04. Review status: criteria provided, single submitter. Criteria: ACMG Guidelines, 2015. Collection method: clinical testing. Allele origin: germline.

Ambry Genetics
Classification: Likely benign for Hereditary cancer-predisposing syndrome. Last evaluated: 2019-10-02. Review status: criteria provided, single submitter. Criteria: Ambry Variant Classification Scheme 2023. Collection method: clinical testing. Allele origin: germline.